The following is an entry in ClinVar:

NM_003664.5(AP3B1):c.1168-4A>G

Gene: AP3B1 (adaptor related protein complex 3 subunit beta 1; minus strand). Cytogenetic location: 5q14.1.
Variant type: single nucleotide variant.
Coding change: c.1168-4A>G on transcript NM_003664.5 (MANE Select); 4 bases into the intron before coding-DNA position 1168, A replaced by G.
Molecular consequence: intron variant.
Genome position (GRCh38, 1-based): chr5:78,165,676, T>C on the plus strand (A>G on the coding strand, the complement: AP3B1 is on the minus strand). VCF-style: chr5-78165676-T-C. GRCh37 (hg19) VCF-style: chr5-77461500-T-C.
Other names: c.1021-4A>G (NM_001271769.2); c.1168-4A>G (NM_001410752.1, NM_003664.4).
Identifiers: ClinVar variation 2740996 (VCV002740996.6), dbSNP rs756115592, ClinGen allele CA3317150.

ClinVar aggregate classification (germline): Likely benign. Review status: criteria provided, multiple submitters, no conflicts (2 of 4 stars). 3 submissions from 3 submitters: Likely benign (2). 1 of the submissions does not count toward it. Last evaluated 2026-01-20.

Conditions:
Hermansky-Pudlak syndrome 2 (HPS2). Also called: Platelet defects and oculocutaneous albinism. Identifiers: Orphanet 183678, Orphanet 79430, MedGen C1842362, MONDO:0011997, OMIM 608233.
AP3B1-related disorder. Also called: AP3B1-related condition.

Allele frequency attached by ClinVar (database versions not stated): gnomAD 0.00001; gnomAD exomes 0.00001; TOPMed 0.00005; ExAC 0.00010.
gnomAD v4.1: 28 of 1,587,766 alleles (0.0018%); highest among the groups gnomAD compares: East Asian, 0.027%; no homozygotes.

Submissions (3):

Labcorp Genetics (formerly Invitae), Labcorp
Classification: Likely benign for Hermansky-Pudlak syndrome 2. Last evaluated: 2026-01-20. Review status: criteria provided, single submitter. Criteria: Invitae Variant Classification Sherloc (09022015). Collection method: clinical testing. Allele origin: germline.

Blueprint Genetics
Classification: Likely benign. Last evaluated: 2024-05-08. Review status: criteria provided, single submitter. Criteria: ACMG Guidelines, 2015. Collection method: clinical testing. Allele origin: germline.

PreventionGenetics, part of Exact Sciences
Classification: Likely benign for AP3B1-related condition. Last evaluated: 2020-12-21. Review status: no assertion criteria provided. Collection method: clinical testing. Allele origin: germline. Not counted in ClinVar's aggregate classification.
Comment: This variant is classified as likely benign based on ACMG/AMP sequence variant interpretation guidelines (Richards et al. 2015 PMID: 25741868, with internal and published modifications).